The following is an entry in ClinVar:

ClinVar aggregate classification (germline): Conflicting classifications of pathogenicity. Review status: criteria provided, conflicting classifications (1 of 4 stars). 6 submissions from 6 submitters: Uncertain significance (2); Benign (1); Likely benign (3). Last evaluated 2025-12-01.

Conditions:
FLNB-Related Spectrum Disorders.
Connective tissue disorder. Also called: Connective tissue disease. Identifiers: MedGen C0009782, MONDO:0003900.

Allele frequency attached by ClinVar (database versions not stated): TOPMed 0.00019; 1000 Genomes Project 30x 0.00031; 1000 Genomes Project 0.00040; gnomAD exomes 0.00079; ExAC 0.00081; gnomAD 0.00134.
gnomAD v4.1: 696 of 1,614,088 alleles (0.043%); highest among the groups gnomAD compares: East Asian, 0.26%; 1 homozygote.

Submissions (6):

CeGaT Center for Human Genetics Tuebingen
Classification: Likely benign. Last evaluated: 2025-12-01. Review status: criteria provided, single submitter. Criteria: CeGaT Center For Human Genetics Tuebingen Variant Classification Criteria Version 2. Collection method: clinical testing. Allele origin: germline. Affected: yes. Observed: 2 variant alleles.
Comment: FLNB: BP4, BP7

Labcorp Genetics (formerly Invitae), Labcorp
Classification: Benign. Last evaluated: 2025-10-21. Review status: criteria provided, single submitter. Criteria: Invitae Variant Classification Sherloc (09022015). Collection method: clinical testing. Allele origin: germline.

Blueprint Genetics
Classification: Likely benign. Last evaluated: 2024-11-26. Review status: criteria provided, single submitter. Criteria: ACMG Guidelines, 2015. Collection method: clinical testing. Allele origin: germline.

Women's Health and Genetics/Laboratory Corporation of America, LabCorp
Classification: Likely benign. Last evaluated: 2024-02-19. Review status: criteria provided, single submitter. Criteria: LabCorp Variant Classification Summary - May 2015. Collection method: clinical testing. Allele origin: germline.

Genome Diagnostics Laboratory, The Hospital for Sick Children
Classification: Uncertain significance for Connective tissue disorder. Last evaluated: 2019-07-01. Review status: criteria provided, single submitter. Criteria: ACMG Guidelines, 2015. Collection method: clinical testing. Allele origin: germline.

Illumina Laboratory Services, Illumina
Classification: Uncertain significance for FLNB-Related Spectrum Disorders. Last evaluated: 2018-01-13. Review status: criteria provided, single submitter. Criteria: ICSL Variant Classification Criteria 13 December 2019. Collection method: clinical testing. Allele origin: germline.

NM_001457.4(FLNB):c.420G>A (p.Thr140=)

Gene: FLNB (filamin B; plus strand). Cytogenetic location: 3p14.3.
Variant type: single nucleotide variant.
Coding change: c.420G>A on transcript NM_001457.4 (MANE Select); coding-DNA position 420, G replaced by A.
Protein change: p.Thr140=; no amino-acid change (threonine 140 retained).
Molecular consequence: synonymous variant.
Genome position (GRCh38, 1-based): chr3:58,077,173, G>A. VCF-style: chr3-58077173-G-A. GRCh37 (hg19) VCF-style: chr3-58062900-G-A.
Other names: c.420G>A, p.Thr140= (NM_001164317.2, NM_001164318.2, NM_001164319.2).
Identifiers: ClinVar variation 736702 (VCV000736702.41), dbSNP rs192491895, ClinGen allele CA2467524.